The following is an entry in ClinVar:

NM_152328.5(ADSS1):c.1186C>T (p.Leu396Phe)

Gene: ADSS1 (adenylosuccinate synthase 1; plus strand). Cytogenetic location: 14q32.33.
Variant type: single nucleotide variant.
Coding change: c.1186C>T on transcript NM_152328.5 (MANE Select); coding-DNA position 1186, C replaced by T.
Protein change: p.Leu396Phe; replaces leucine 396 with phenylalanine.
Molecular consequence: missense variant.
Genome position (GRCh38, 1-based): chr14:104,746,250, C>T. VCF-style: chr14-104746250-C-T. GRCh37 (hg19) VCF-style: chr14-105212587-C-T.
Other names: c.571C>T, p.Leu191Phe (NM_001320424.1); c.1315C>T, p.Leu439Phe (NM_199165.2); short protein forms L191F, L396F, L439F.
Identifiers: ClinVar variation 2033197 (VCV002033197.4), dbSNP rs2542049362, ClinGen allele CA391244747.
Genomic context (GRCh38, chr14:104,746,250, plus strand): 5'-ATAGGAGGTCTGTGGGCCCCACTCATCTCCTGTGTGCTTCCCCCAGCTAACCAGGAGATG[C>T]TTCAGAAGGTCGAAGTTGAGTATGAAACGCTGCCTGGGTGGAAAGCAGACACCACAGGCG-3'
Protein context (NP_689541.1, residues 386-406): IPYFPANQEM[Leu396Phe]QKVEVEYETL

ClinVar aggregate classification (germline): Uncertain significance (1 of 4 stars; one submission).

Allele frequency attached by ClinVar (database versions not stated): gnomAD exomes below 0.00001.
gnomAD v4.1: 1 of 1,611,012 alleles (0.000062%); highest among the groups gnomAD compares: Non-Finnish European, 0.000085%; no homozygotes.

Submission:

Labcorp Genetics (formerly Invitae), Labcorp
Classification: Uncertain significance. Last evaluated: 2023-06-05. Review status: criteria provided, single submitter. Criteria: Invitae Variant Classification Sherloc (09022015). Collection method: clinical testing. Allele origin: germline.
Comment: This sequence change replaces leucine, which is neutral and non-polar, with phenylalanine, which is neutral and non-polar, at codon 439 of the ADSSL1 protein (p.Leu439Phe). This variant is not present in population databases (gnomAD no frequency). This variant has not been reported in the literature in individuals affected with ADSSL1-related conditions. ClinVar contains an entry for this variant (Variation ID: 2033197). An algorithm developed to predict the effect of missense changes on protein structure and function (PolyPhen-2) suggests that this variant is likely to be disruptive. In summary, the available evidence is currently insufficient to determine the role of this variant in disease. Therefore, it has been classified as a Variant of Uncertain Significance.